The following is an entry in ClinVar:

ClinVar aggregate classification (germline): Uncertain significance (1 of 4 stars; one submission).

Submission:

Dasa
Classification: Uncertain significance. Last evaluated: 2025-10-24. Review status: criteria provided, single submitter. Criteria: DASA Assertion Criteria. Collection method: clinical testing. Allele origin: germline.
Comment: NM_006715.4(MAN2C1):c.2069A>T (p.Asp690Val) is a missense variant that results in the substitution of aspartic acid with valine. This variant is absent from population databases. Computational prediction algorithms are consistent with a benign effect. The currently available literature and clinical evidence are not sufficient to establish a definitive association between this variant and the reported condition. Therefore, this variant is classified as a variant of uncertain significance.

NM_006715.4(MAN2C1):c.2069A>T (p.Asp690Val)

Gene: MAN2C1 (mannosidase alpha class 2C member 1; minus strand). Cytogenetic location: 15q24.2.
Variant type: single nucleotide variant.
Coding change: c.2069A>T on transcript NM_006715.4 (MANE Select); coding-DNA position 2069, A replaced by T.
Protein change: p.Asp690Val; replaces aspartic acid 690 with valine.
Molecular consequence: missense variant.
Genome position (GRCh38, 1-based): chr15:75,359,131, T>A on the plus strand (A>T on the coding strand, the complement: MAN2C1 is on the minus strand). VCF-style: chr15-75359131-T-A. GRCh37 (hg19) VCF-style: chr15-75651472-T-A.
Other names: c.2120A>T, p.Asp707Val (NM_001256494.2); c.2069A>T, p.Asp690Val (NM_001256495.2); c.1772A>T, p.Asp591Val (NM_001256496.2); short protein forms D591V, D690V, D707V.
Identifiers: ClinVar variation 4883078 (VCV004883078.2).